The following is an entry in ClinVar:

ClinVar aggregate classification (germline): Pathogenic (1 of 4 stars; one submission).

Conditions:
Maple syrup urine disease (MSUD). Identifiers: Orphanet 511, MedGen C0024776, MeSH D008375, MONDO:0009563. Disease mechanism: loss of function.

Submission:

Labcorp Genetics (formerly Invitae), Labcorp
Classification: Pathogenic for Maple syrup urine disease. Last evaluated: 2022-06-04. Review status: criteria provided, single submitter. Criteria: Invitae Variant Classification Sherloc (09022015). Collection method: clinical testing. Allele origin: germline.
Comment: This variant disrupts a region of the BCKDHA protein in which other variant(s) (p.Tyr438Asn) have been determined to be pathogenic (PMID: 1885764, 11825067, 12888983, 26830710). This suggests that this is a clinically significant region of the protein, and that variants that disrupt it are likely to be disease-causing. This variant has not been reported in the literature in individuals affected with BCKDHA-related conditions. This variant is a gross deletion of the genomic region encompassing exon(s) 9 of the BCKDHA gene, which includes the termination codon. This deletion extends beyond the assayed region for this gene and therefore may encompass additional genes. While this deletion is not anticipated to lead to nonsense mediated decay, it is expected to alter mRNA translation or result in a truncated protein product. For these reasons, this variant has been classified as Pathogenic.

Literature cited by the submitters: PubMed 1885764; PubMed 11825067; PubMed 12888983; PubMed 26830710.

NC_000019.10:g.(?_41424428)_(41424831_?)del

Gene: BCKDHA (branched chain keto acid dehydrogenase E1 subunit alpha; plus strand). Cytogenetic location: 19q13.2.
Variant type: Deletion.
Identifiers: ClinVar variation 830688 (VCV000830688.6).